The following is an entry in ClinVar:

NM_000719.7(CACNA1C):c.4057T>C (p.Phe1353Leu)

Gene: CACNA1C (calcium voltage-gated channel subunit alpha1 C; plus strand). Cytogenetic location: 12p13.33.
Variant type: single nucleotide variant.
Coding change: c.4057T>C on transcript NM_000719.7 (MANE Select); coding-DNA position 4057, T replaced by C.
Protein change: p.Phe1353Leu; replaces phenylalanine 1353 with leucine.
Molecular consequence: missense variant.
Genome position (GRCh38, 1-based): chr12:2,651,751, T>C. VCF-style: chr12-2651751-T-C. GRCh37 (hg19) VCF-style: chr12-2760917-T-C.
Other names: c.4201T>C, p.Phe1401Leu (NM_001129827.2, NM_199460.4); c.4123T>C, p.Phe1375Leu (NM_001129829.2); c.4057T>C, p.Phe1353Leu (NM_001129830.3, NM_001129833.2, NM_001129834.2 and 7 more transcripts); c.4141T>C, p.Phe1381Leu (NM_001129831.2); c.4117T>C, p.Phe1373Leu (NM_001129832.2); c.4108T>C, p.Phe1370Leu (NM_001129836.2); c.4024T>C, p.Phe1342Leu (NM_001129837.2, NM_001129838.2, NM_001129846.2 and 1 more transcripts); c.4018T>C, p.Phe1340Leu (NM_001129839.2); and 1 more; short protein forms F1350L, F1375L, F1401L, F1342L, F1353L, F1340L, F1370L, F1373L.
Identifiers: ClinVar variation 4745783 (VCV004745783.1).

ClinVar aggregate classification (germline): Uncertain significance (1 of 4 stars; one submission).

Conditions:
Long QT syndrome (LQTS). Identifiers: MedGen C0023976, MeSH D008133, MONDO:0002442. Disease mechanism: loss of function. Inheritance: Various modes of inheritance.

Submission:

Labcorp Genetics (formerly Invitae), Labcorp
Classification: Uncertain significance for Long QT syndrome. Last evaluated: 2026-02-03. Review status: criteria provided, single submitter. Criteria: Invitae Variant Classification Sherloc (09022015). Collection method: clinical testing. Allele origin: germline.
Comment: This sequence change replaces phenylalanine, which is neutral and non-polar, with leucine, which is neutral and non-polar, at codon 1353 of the CACNA1C protein (p.Phe1353Leu). This variant is not present in population databases (gnomAD no frequency). This variant has not been reported in the literature in individuals affected with CACNA1C-related conditions. Invitae Evidence Modeling of protein sequence and biophysical properties (such as structural, functional, and spatial information, amino acid conservation, physicochemical variation, residue mobility, and thermodynamic stability) indicates that this missense variant is expected to disrupt CACNA1C protein function with a positive predictive value of 95%. In summary, the available evidence is currently insufficient to determine the role of this variant in disease. Therefore, it has been classified as a Variant of Uncertain Significance.